The following is an entry in ClinVar:

NM_005235.3(ERBB4):c.3416G>A (p.Arg1139Gln)

Gene: ERBB4 (erb-b2 receptor tyrosine kinase 4; minus strand). Cytogenetic location: 2q34.
Variant type: single nucleotide variant.
Coding change: c.3416G>A on transcript NM_005235.3 (MANE Select); coding-DNA position 3416, G replaced by A.
Protein change: p.Arg1139Gln; replaces arginine 1139 with glutamine.
Molecular consequence: missense variant.
Genome position (GRCh38, 1-based): chr2:211,386,918, C>T on the plus strand (G>A on the coding strand, the complement: ERBB4 is on the minus strand). VCF-style: chr2-211386918-C-T. GRCh37 (hg19) VCF-style: chr2-212251643-C-T.
Other names: c.3368G>A, p.Arg1123Gln (NM_001042599.2); short protein forms R1123Q, R1139Q.
Identifiers: ClinVar variation 1363726 (VCV001363726.8), dbSNP rs377737065, ClinGen allele CA2087447.
Genomic context (GRCh38, chr2:211,386,918, plus strand): 5'-TTGGGTTTGTCTCGCATAGGAGTCATGTAACCTTCCTCATCCAGCTCTCCTCGTGGGCTC[C>T]GTTCTGGGGCAAACACGGTGGGGTCAGCACTGTACCTCTGGGTGCTACTGTCCTCTTGGA-3'
Protein context (NP_005226.1, residues 1129-1149): SADPTVFAPE[Arg1139Gln]SPRGELDEEG

ClinVar aggregate classification (germline): Uncertain significance (1 of 4 stars; one submission).

Allele frequency attached by ClinVar (database versions not stated): ExAC 0.00002; gnomAD exomes 0.00002 and 0.00003; TOPMed 0.00002; gnomAD 0.00005 and 0.00006; ESP Exome Variant Server 0.00008.
gnomAD v4.1: 48 of 1,614,040 alleles (0.003%); highest among the groups gnomAD compares: Non-Finnish European, 0.0032%; no homozygotes.

Submission:

Labcorp Genetics (formerly Invitae), Labcorp
Classification: Uncertain significance. Last evaluated: 2023-01-26. Review status: criteria provided, single submitter. Criteria: Invitae Variant Classification Sherloc (09022015). Collection method: clinical testing. Allele origin: germline.
Comment: Algorithms developed to predict the effect of missense changes on protein structure and function are either unavailable or do not agree on the potential impact of this missense change (SIFT: "Deleterious"; PolyPhen-2: "Possibly Damaging"; Align-GVGD: "Class C0"). ClinVar contains an entry for this variant (Variation ID: 1363726). This variant has not been reported in the literature in individuals affected with ERBB4-related conditions. This variant is present in population databases (rs377737065, gnomAD 0.005%). This sequence change replaces arginine, which is basic and polar, with glutamine, which is neutral and polar, at codon 1139 of the ERBB4 protein (p.Arg1139Gln). In summary, the available evidence is currently insufficient to determine the role of this variant in disease. Therefore, it has been classified as a Variant of Uncertain Significance.